The following is an entry in ClinVar:

ClinVar aggregate classification (germline): Likely benign. Review status: criteria provided, multiple submitters, no conflicts (2 of 4 stars). 5 submissions from 4 submitters: Likely benign (5). Last evaluated 2025-12-21.

Conditions:
Noonan syndrome 4 (NS4). Also called: NOONAN SYNDROME WITH PIGMENTED VILLONODULAR SYNOVITIS; SOS1-Related Noonan Syndrome. Identifiers: Orphanet 648, MedGen C1853120, MONDO:0012547, OMIM 610733.
RASopathy. Also called: Noonan spectrum disorder; rasopathies. Identifiers: Orphanet 536391, MedGen C5555857, MONDO:0021060.
Fibromatosis, gingival, 1 (GINGF1). Identifiers: Orphanet 2024, MedGen C4551558, MONDO:0007609, OMIM 135300.

Submissions (5):

Labcorp Genetics (formerly Invitae), Labcorp
Classification: Likely benign for RASopathy. Last evaluated: 2025-12-21. Review status: criteria provided, single submitter. Criteria: Invitae Variant Classification Sherloc (09022015). Collection method: clinical testing. Allele origin: germline.

Blueprint Genetics
Classification: Likely benign. Last evaluated: 2024-11-13. Review status: criteria provided, single submitter. Criteria: ACMG Guidelines, 2015. Collection method: clinical testing. Allele origin: germline.

GeneDx
Classification: Likely benign. Last evaluated: 2018-02-07. Review status: criteria provided, single submitter. Criteria: GeneDx Variant Classification (06012015). Collection method: clinical testing. Allele origin: germline. Affected: yes.
Comment: This variant is considered likely benign or benign based on one or more of the following criteria: it is a conservative change, it occurs at a poorly conserved position in the protein, it is predicted to be benign by multiple in silico algorithms, and/or has population frequency not consistent with disease.

Genome-Nilou Lab
Classification: Likely benign for Noonan syndrome 4. Review status: criteria provided, single submitter. Criteria: ACMG Guidelines, 2015. Collection method: clinical testing. Allele origin: germline.

Genome-Nilou Lab
Classification: Likely benign for Fibromatosis, gingival, 1. Review status: criteria provided, single submitter. Criteria: ACMG Guidelines, 2015. Collection method: clinical testing. Allele origin: germline.

NM_005633.4(SOS1):c.213+14_213+16del

Gene: SOS1 (SOS Ras/Rac guanine nucleotide exchange factor 1; minus strand). Cytogenetic location: 2p22.1.
Variant type: Microsatellite.
Coding change: c.213+14_213+16del on transcript NM_005633.4 (MANE Select); bases 14 to 16 of the intron after coding-DNA position 213, 3 bases deleted (TGT; older notation c.213+14_213+16delTGT).
Molecular consequence: intron variant.
Genome position (GRCh38, 1-based): chr2:39,067,612-39,067,614, ACA deleted on the plus strand (TGT on the coding strand, the reverse complement: SOS1 is on the minus strand); deleting any 3 consecutive bases within chr2:39,067,612-39,067,617 gives the same sequence; the c. name uses the placement nearest the transcript's 3' end. VCF-style (leftmost placement, unchanged base first): chr2-39067611-GACA-G. GRCh37 (hg19) VCF-style: chr2-39294752-GACA-G.
Other names: c.192+14_192+16del (NM_001382394.1); c.213+14_213+16del (NM_001382395.1); c.213+14_213+16delTGT (NM_005633.3).
Identifiers: ClinVar variation 422782 (VCV000422782.10), dbSNP rs768872084, ClinGen allele CA1624844.